The following is an entry in ClinVar:

ClinVar aggregate classification (germline): Uncertain significance (1 of 4 stars; one submission).

Conditions:
Charcot-Marie-Tooth disease dominant intermediate C (CMTDIC). Also called: CHARCOT-MARIE-TOOTH NEUROPATHY, DOMINANT INTERMEDIATE C. Identifiers: Orphanet 100045, MedGen C1842237, MONDO:0012012, OMIM 608323.

Allele frequency attached by ClinVar (database versions not stated): gnomAD exomes below 0.00001 and 0.00001; ExAC 0.00001.
gnomAD v4.1: 8 of 1,614,140 alleles (0.0005%); highest among the groups gnomAD compares: Non-Finnish European, 0.00068%; no homozygotes.

Submission:

Labcorp Genetics (formerly Invitae), Labcorp
Classification: Uncertain significance for Charcot-Marie-Tooth disease dominant intermediate C. Last evaluated: 2022-02-09. Review status: criteria provided, single submitter. Criteria: Invitae Variant Classification Sherloc (09022015). Collection method: clinical testing. Allele origin: germline.
Comment: In summary, the available evidence is currently insufficient to determine the role of this variant in disease. Therefore, it has been classified as a Variant of Uncertain Significance. Algorithms developed to predict the effect of missense changes on protein structure and function are either unavailable or do not agree on the potential impact of this missense change (SIFT: "Not Available"; PolyPhen-2: "Probably Damaging"; Align-GVGD: "Not Available"). ClinVar contains an entry for this variant (Variation ID: 573055). This variant has not been reported in the literature in individuals affected with YARS-related conditions. This variant is present in population databases (rs769290451, gnomAD 0.0009%). This sequence change replaces lysine, which is basic and polar, with threonine, which is neutral and polar, at codon 147 of the YARS protein (p.Lys147Thr).

NM_003680.4(YARS1):c.440A>C (p.Lys147Thr)

Gene: YARS1 (tyrosyl-tRNA synthetase 1; minus strand). Cytogenetic location: 1p35.1.
Variant type: single nucleotide variant.
Coding change: c.440A>C on transcript NM_003680.4 (MANE Select); coding-DNA position 440, A replaced by C.
Protein change: p.Lys147Thr; replaces lysine 147 with threonine.
Molecular consequence: missense variant.
Genome position (GRCh38, 1-based): chr1:32,806,552, T>G on the plus strand (A>C on the coding strand, the complement: YARS1 is on the minus strand). VCF-style: chr1-32806552-T-G. GRCh37 (hg19) VCF-style: chr1-33272153-T-G.
Other names: short protein forms K147T.
Identifiers: ClinVar variation 573055 (VCV000573055.10), dbSNP rs769290451, ClinGen allele CA745202.